The following continues an entry in ClinVar:

NM_000051.4(ATM):c.8428A>C (p.Lys2810Gln)

ClinVar aggregate classification (germline): Conflicting classifications of pathogenicity. Uncertain significance (17); Likely benign (4).

Submissions 18 to 24 of 24:

Institute for Clinical Genetics, University Hospital TU Dresden, University Hospital TU Dresden
Classification: Uncertain significance. Last evaluated: 2021-11-03. Review status: criteria provided, single submitter. Criteria: ACMG Guidelines, 2015. Collection method: clinical testing. Allele origin: germline.

Sema4
Classification: Uncertain significance for Hereditary cancer-predisposing syndrome. Last evaluated: 2021-07-21. Review status: criteria provided, single submitter. Criteria: Sema4 Curation Guidelines. Collection method: curation. Allele origin: germline.
Comment: The ATM c.8428A>C (p.K2810Q) variant has been reported in individuals with rhabdomyosarcoma, prostate cancer, breast and/or ovarian cancer, pancreatic cancer, and colorectal cancer (PMID: 34067464, 33436325, 29522266, 28726808, 26901136, 17623063). It was observed in 11/281884 chromosomes in the large and broad cohorts of the Genome Aggregation Database (PMID: 32461654). This variant has been reported in ClinVar (Variation ID 181898). Functional studies have not been performed and in silico predictions of the variant's effect on protein function are inconclusive. The evidence is insufficient to meet ACMG/AMP criteria for classifying the variant as benign or pathogenic. Thus, the clinical significance of this variant is currently uncertain.

ARUP Laboratories, Molecular Genetics and Genomics, ARUP Laboratories
Classification: Uncertain significance. Last evaluated: 2019-10-24. Review status: criteria provided, single submitter. Criteria: ARUP Molecular Germline Variant Investigation Process. Collection method: clinical testing. Allele origin: germline.
Comment: The ATM c.8428A>C; p.Lys2810Gln variant (rs730881325) is reported in an individual with early-onset colorectal cancer (de Voer 2016), and an individual with a hereditary cancer syndrome (Tsaousis 2019); however, it is also found in healthy controls (Tiao 2017). This variant is reported in ClinVar (Variation ID: 181898). It is found in the general population with an overall allele frequency of 0.004% (11/281884 alleles) in the Genome Aggregation Database. The lysine at codon 2810 is weakly conserved, and computational analyses (SIFT, PolyPhen-2) predict that this variant is tolerated. However, due to limited information, the clinical significance of this variant is uncertain at this time. REFERENCES de Voer RM et al. Identification of Novel Candidate Genes for Early-Onset Colorectal Cancer Susceptibility. PLoS Genet. 2016 Feb 22;12(2):e1005880. Tiao G et al. Rare germline variants in ATM are associated with chronic lymphocytic leukemia. Leukemia. 2017 Oct;31(10):2244-2247. Tsaousis GN et al. Analysis of hereditary cancer syndromes by using a panel of genes: novel and multiple pathogenic mutations. BMC Cancer. 2019 Jun 3;19(1):535.

GeneKor MSA
Classification: Uncertain significance for Hereditary cancer-predisposing syndrome. Last evaluated: 2018-08-01. Review status: criteria provided, single submitter. Criteria: ACMG Guidelines, 2015. Collection method: clinical testing. Allele origin: germline. Affected: yes.

Natera, Inc.
Classification: Uncertain significance for Ataxia-telangiectasia. Last evaluated: 2020-09-16. Review status: no assertion criteria provided. Collection method: clinical testing. Allele origin: germline. Not counted in ClinVar's aggregate classification.

Counsyl
Classification: Uncertain significance for Ataxia-telangiectasia syndrome. Last evaluated: 2017-08-29. Review status: no assertion criteria provided. Collection method: clinical testing. Allele origin: unknown. Not counted in ClinVar's aggregate classification.

Department of Pathology and Laboratory Medicine, Sinai Health System
Classification: Uncertain significance for Malignant tumor of breast. Review status: no assertion criteria provided. Collection method: clinical testing. Allele origin: unknown. Affected: yes. Study: The Canadian Open Genetics Repository (COGR). Not counted in ClinVar's aggregate classification.
Comment: The ATM p.Lys2810Gln variant was not identified in the literature nor was it identified in the GeneInsight-COGR, Cosmic, MutDB, or LOVD 3.0. The variant was identified in dbSNP (ID: rs730881325) â€šÃ„ÃºWith Uncertain significance alleleâ€šÃ„Ã¹, ClinVar (classified uncertain significance by GeneDx, Invitae, Ambry Genetics and Color Genomics Inc.), Clinvitae (4x), and in control databases in 11 of 276512 chromosomes at a frequency of 0.00004 (Genome Aggregation Database Feb 27, 2017). Breakdown of the observations by population include European Non-Finnish in 7 of 126486 chromosomes (freq: 0.00006), European Finnish in 4 of 25756 chromosomes (freq: 0.0002), while not observed in the African, Other, Latino, Ashkenazi Jewish, East Asian, and South Asian populations. The p.Lys2810Gln is located in the phosphatidylinositol 3-/4-kinase, catalytic domain and may have clinical significance. The p.Lys2810 residue is not conserved in mammals and four out of five computational analyses (PolyPhen-2, SIFT, AlignGVGD, BLOSUM, MutationTaster) do not suggest a high likelihood the variant Gln impacts the protein; however, this information is not predictive enough to rule out pathogenicity. The variant occurs outside of the splicing consensus sequence and in silico or computational prediction software programs (SpliceSiteFinder, MaxEntScan, NNSPLICE, GeneSplicer, HumanSpliceFinder) do not predict a difference in splicing. In summary, based on the above information the clinical significance of this variant cannot be determined with certainty at this time. This variant is classified as a variant of uncertain significance.

Literature cited by the submitters: PubMed 4012663 (cited by Color Diagnostics, LLC DBA Color Health); PubMed 26901136 (cited by 4 submitters); PubMed 28726808 (cited by 4 submitters); PubMed 29522266 (cited by Color Diagnostics, LLC DBA Color Health and Sema4); PubMed 33436325 (cited by 5 submitters); PubMed 33471991 (cited by 3 submitters); PubMed 20305132 (cited by Women's Health and Genetics/Laboratory Corporation of America, LabCorp); PubMed 17623063 (cited by 3 submitters); PubMed 28652578 (cited by Women's Health and Genetics/Laboratory Corporation of America, LabCorp and Quest Diagnostics Nichols Institute San Juan Capistrano); PubMed 31159747 (cited by Women's Health and Genetics/Laboratory Corporation of America, LabCorp and Ambry Genetics); PubMed 30181556 (cited by Women's Health and Genetics/Laboratory Corporation of America, LabCorp); PubMed 34326862 (cited by Women's Health and Genetics/Laboratory Corporation of America, LabCorp and Mayo Clinic Laboratories, Mayo Clinic); PubMed 35451682 (cited by Women's Health and Genetics/Laboratory Corporation of America, LabCorp); PubMed 36531003 (cited by Women's Health and Genetics/Laboratory Corporation of America, LabCorp); PubMed 40105422 (cited by Women's Health and Genetics/Laboratory Corporation of America, LabCorp); PubMed 32321774 (cited by Women's Health and Genetics/Laboratory Corporation of America, LabCorp); PubMed 37007151 (cited by Women's Health and Genetics/Laboratory Corporation of America, LabCorp); PubMed 34067464 (cited by 3 submitters); PubMed 39725687 (cited by Women's Health and Genetics/Laboratory Corporation of America, LabCorp); PubMed 40507299 (cited by Women's Health and Genetics/Laboratory Corporation of America, LabCorp); PubMed 25085752 (cited by Myriad Genetics, Inc.); PubMed 32885271 (cited by Ambry Genetics).